The following is an entry in ClinVar:

NM_006231.4(POLE):c.720G>A (p.Val240=)

Gene: POLE (DNA polymerase epsilon, catalytic subunit; minus strand). Cytogenetic location: 12q24.33.
Variant type: single nucleotide variant.
Coding change: c.720G>A on transcript NM_006231.4 (MANE Select); coding-DNA position 720, G replaced by A.
Protein change: p.Val240=; no amino-acid change (valine 240 retained).
Molecular consequence: synonymous variant.
Genome position (GRCh38, 1-based): chr12:132,677,578, C>T on the plus strand (G>A on the coding strand, the complement: POLE is on the minus strand). VCF-style: chr12-132677578-C-T. GRCh37 (hg19) VCF-style: chr12-133254164-C-T.
Other names: c.720G>A (NM_006231.2).
Identifiers: ClinVar variation 567907 (VCV000567907.7), dbSNP rs757227169, ClinGen allele CA482849845.

ClinVar aggregate classification (germline): Uncertain significance. Review status: criteria provided, multiple submitters, no conflicts (2 of 4 stars). 2 submissions from 2 submitters: Uncertain significance (2). Last evaluated 2025-07-02.

Conditions:
Hereditary cancer-predisposing syndrome. Also called: Neoplastic Syndromes, Hereditary; Tumor predisposition; Hereditary neoplastic syndrome; Hereditary Cancer Syndrome. Identifiers: Orphanet 140162, MedGen C0027672, MeSH D009386, MONDO:0015356.

gnomAD v4.1: 1 of 1,614,164 alleles (0.000062%); highest among the groups gnomAD compares: Non-Finnish European, 0.000085%; no homozygotes.

Submissions (2):

Ambry Genetics
Classification: Uncertain significance for Hereditary cancer-predisposing syndrome. Last evaluated: 2025-07-02. Review status: criteria provided, single submitter. Criteria: Ambry Variant Classification Scheme 2023. Collection method: clinical testing. Allele origin: germline.
Comment: The c.720G>A variant (also known as p.V240V), located in coding exon 7 of the POLE gene. This variant results from a G to A substitution at nucleotide position 720. This nucleotide substitution does not change the valine at codon 240. However, this change occurs in the last base pair of coding exon 7, which makes it likely to have some effect on normal mRNA splicing. This nucleotide position is highly conserved in available vertebrate species. In silico splice site analysis predicts that this alteration may result in the creation or strengthening of a novel splice donor site. Based on the available evidence, the clinical significance of this variant remains unclear.

Labcorp Genetics (formerly Invitae), Labcorp
Classification: Uncertain significance. Last evaluated: 2022-07-25. Review status: criteria provided, single submitter. Criteria: Invitae Variant Classification Sherloc (09022015). Collection method: clinical testing. Allele origin: germline.
Comment: In summary, the available evidence is currently insufficient to determine the role of this variant in disease. Therefore, it has been classified as a Variant of Uncertain Significance. Variants that disrupt the consensus splice site are a relatively common cause of aberrant splicing (PMID: 17576681, 9536098). Algorithms developed to predict the effect of sequence changes on RNA splicing suggest that this variant may create or strengthen a splice site. ClinVar contains an entry for this variant (Variation ID: 567907). This variant has not been reported in the literature in individuals affected with POLE-related conditions. This variant is not present in population databases (gnomAD no frequency). This sequence change affects codon 240 of the POLE mRNA. It is a 'silent' change, meaning that it does not change the encoded amino acid sequence of the POLE protein. This variant also falls at the last nucleotide of exon 7, which is part of the consensus splice site for this exon.

Literature cited by the submitters: PubMed 17576681 (cited by Labcorp Genetics (formerly Invitae), Labcorp); PubMed 9536098 (cited by Labcorp Genetics (formerly Invitae), Labcorp).